The following is an entry in ClinVar:

NM_019892.6(INPP5E):c.1684A>G (p.Ser562Gly)

Gene: INPP5E (inositol polyphosphate-5-phosphatase E; minus strand). Cytogenetic location: 9q34.3.
Variant type: single nucleotide variant.
Coding change: c.1684A>G on transcript NM_019892.6 (MANE Select); coding-DNA position 1684, A replaced by G.
Protein change: p.Ser562Gly; replaces serine 562 with glycine.
Molecular consequence: missense variant.
Genome position (GRCh38, 1-based): chr9:136,430,395, T>C on the plus strand (A>G on the coding strand, the complement: INPP5E is on the minus strand). VCF-style: chr9-136430395-T-C. GRCh37 (hg19) VCF-style: chr9-139324847-T-C.
Other names: c.1681A>G, p.Ser561Gly (NM_001318502.2); short protein forms S562G, S561G.
Identifiers: ClinVar variation 217654 (VCV000217654.3), dbSNP rs863225197, ClinGen allele CA279423.

ClinVar aggregate classification (germline): Conflicting classifications of pathogenicity. Review status: criteria provided, conflicting classifications (1 of 4 stars). 2 submissions from 2 submitters: Pathogenic (1); Uncertain significance (1). Last evaluated 2021-03-10.

Conditions:
Joubert syndrome. Also called: CEREBELLOPARENCHYMAL DISORDER IV; JOUBERT-BOLTSHAUSER SYNDROME; Familial aplasia of the vermis. Identifiers: Orphanet 475, MedGen C5979921, MONDO:0018772.

Submissions (2):

GeneDx
Classification: Uncertain significance. Last evaluated: 2021-03-10. Review status: criteria provided, single submitter. Criteria: GeneDx Variant Classification Process June 2021. Collection method: clinical testing. Allele origin: germline. Affected: yes.
Comment: Previously identified in individuals with Joubert syndrome who harbored a second INPP5E variant, however segregation to determine the phase of the variants was not reported (Bachmann-Gagescu et al., 2015); Not observed in large population cohorts (Lek et al., 2016); In silico analysis supports that this missense variant does not alter protein structure/function; This variant is associated with the following publications: (PMID: 26092869)

UW Hindbrain Malformation Research Program, University of Washington
Classification: Pathogenic for Joubert syndrome 1. Last evaluated: 2015-02-23. Review status: criteria provided, single submitter. Criteria: Bachmann-Gagescu et al. (J Med Genet. 2015). Collection method: research. Allele origin: unknown. Affected: yes.